The following is an entry in ClinVar:

NM_000305.3(PON2):c.287G>C (p.Arg96Thr)

Genes: ASB4 (ankyrin repeat and SOCS box containing 4; plus strand), PON2 (paraoxonase 2; minus strand), LOC107986822 (uncharacterized LOC107986822; plus strand). Cytogenetic location: 7q21.3.
Variant type: single nucleotide variant.
Coding change: c.287G>C on transcript NM_000305.3 (MANE Select); coding-DNA position 287, G replaced by C.
Protein change: p.Arg96Thr; replaces arginine 96 with threonine.
Molecular consequence: missense variant.
Genome position (GRCh38, 1-based): chr7:95,412,392, C>G on the plus strand (G>C on the coding strand, the complement: PON2 is on the minus strand). VCF-style: chr7-95412392-C-G. GRCh37 (hg19) VCF-style: chr7-95041704-C-G.
Other names: c.287G>C, p.Arg96Thr (NM_001018161.2); short protein forms R96T.
Identifiers: ClinVar variation 1321360 (VCV001321360.1), dbSNP rs201552995, ClinGen allele CA4351100.
Genomic context (GRCh38, chr7:95,412,392, plus strand): 5'-ATGCCATGTGGATTGAATGAGGCCAAATCAAACCCACGACTGATTCTTAATTCCCGTGCC[C>G]TTGGTTTTTCTTCTTTTAGATCCATCATTAGTATTCCTCCAGGCTTATCTGGTGCAAAGC-3'
Protein context (NP_000296.2, residues 86-106): LMMDLKEEKP[Arg96Thr]ARELRISRGF

ClinVar aggregate classification (germline): Likely benign (1 of 4 stars; one submission).

Allele frequency attached by ClinVar (database versions not stated): TOPMed 0.00007; gnomAD 0.00008 and 0.00009; gnomAD exomes 0.00010 and 0.00011; ExAC 0.00015; ESP Exome Variant Server 0.00023.
gnomAD v4.1: 153 of 1,614,022 alleles (0.0095%); highest among the groups gnomAD compares: Admixed American, 0.03%; no homozygotes.

Submission:

Women's Health and Genetics/Laboratory Corporation of America, LabCorp
Classification: Likely benign. Last evaluated: 2021-10-11. Review status: criteria provided, single submitter. Criteria: LabCorp Variant Classification Summary - May 2015. Collection method: clinical testing. Allele origin: germline.
Comment: Variant summary: PON2 c.287G>C (p.Arg96Thr) results in a non-conservative amino acid change in the encoded protein sequence. Three of five in-silico tools predict a benign effect of the variant on protein function. The variant allele was found at a frequency of 0.00011 in 251438 control chromosomes, predominantly at a frequency of 0.00032 within the Latino subpopulation in the gnomAD database. The observed variant frequency within Latino control individuals in the gnomAD database is approximately 16 fold of the estimated maximal expected allele frequency for a pathogenic variant in PON2 causing Early Onset Coronary Artery Disease phenotype (2e-05), strongly suggesting that the variant is a benign polymorphism found primarily in populations of Latino origin. To our knowledge, no occurrence of c.287G>C in individuals affected with Early Onset Coronary Artery Disease and no experimental evidence demonstrating its impact on protein function have been reported. No clinical diagnostic laboratories have submitted clinical-significance assessments for this variant to ClinVar after 2014. Based on the evidence outlined above, the variant was classified as likely benign.